The following is an entry in ClinVar:

NM_002087.4(GRN):c.568A>C (p.Lys190Gln)

Gene: GRN (granulin precursor; plus strand). Cytogenetic location: 17q21.31.
Variant type: single nucleotide variant.
Coding change: c.568A>C on transcript NM_002087.4 (MANE Select); coding-DNA position 568, A replaced by C.
Protein change: p.Lys190Gln; replaces lysine 190 with glutamine.
Molecular consequence: missense variant.
Genome position (GRCh38, 1-based): chr17:44,350,547, A>C. VCF-style: chr17-44350547-A-C. GRCh37 (hg19) VCF-style: chr17-42427915-A-C.
Other names: short protein forms K190Q.
Identifiers: ClinVar variation 588342 (VCV000588342.11), dbSNP rs768727709, ClinGen allele CA8601930.

ClinVar aggregate classification (germline): Uncertain significance. Review status: criteria provided, multiple submitters, no conflicts (2 of 4 stars). 2 submissions from 2 submitters: Uncertain significance (2). Last evaluated 2024-10-02.

Conditions:
Neuronal ceroid lipofuscinosis 11. Also called: GRN-Related Neuronal Ceroid-Lipofuscinosis. Identifiers: Orphanet 314629, Orphanet 79262, MedGen C3539123, MONDO:0013866, OMIM 614706.
GRN-related frontotemporal lobar degeneration with Tdp43 inclusions (FTD2). Also called: GRN Frontotemporal Dementia; FRONTOTEMPORAL DEMENTIA WITH TDP43 INCLUSIONS, GRN-RELATED; DEMENTIA, HEREDITARY DYSPHASIC DISINHIBITION; FRONTOTEMPORAL LOBAR DEGENERATION WITH UBIQUITIN-POSITIVE INCLUSIONS; FTLD-TDP, GRN-RELATED. Identifiers: Orphanet 100070, Orphanet 282, MedGen C1843792, MONDO:0011842, OMIM 607485. Disease mechanism: loss of function.
Inborn genetic diseases. Identifiers: MedGen C0950123, MeSH D030342.

Allele frequency attached by ClinVar (database versions not stated): ExAC 0.00001; gnomAD exomes 0.00001; TOPMed 0.00001.
gnomAD v4.1: 25 of 1,613,890 alleles (0.0015%); highest among the groups gnomAD compares: Non-Finnish European, 0.0018%; no homozygotes.

Submissions (2):

Labcorp Genetics (formerly Invitae), Labcorp
Classification: Uncertain significance for Neuronal ceroid lipofuscinosis 11; GRN-related frontotemporal lobar degeneration with Tdp43 inclusions. Last evaluated: 2024-10-02. Review status: criteria provided, single submitter. Criteria: Invitae Variant Classification Sherloc (09022015). Collection method: clinical testing. Allele origin: germline.
Comment: This sequence change replaces lysine, which is basic and polar, with glutamine, which is neutral and polar, at codon 190 of the GRN protein (p.Lys190Gln). This variant is present in population databases (rs768727709, gnomAD 0.002%). This variant has not been reported in the literature in individuals affected with GRN-related conditions. ClinVar contains an entry for this variant (Variation ID: 588342). Invitae Evidence Modeling of protein sequence and biophysical properties (such as structural, functional, and spatial information, amino acid conservation, physicochemical variation, residue mobility, and thermodynamic stability) indicates that this missense variant is expected to disrupt GRN protein function with a positive predictive value of 80%. In summary, the available evidence is currently insufficient to determine the role of this variant in disease. Therefore, it has been classified as a Variant of Uncertain Significance.

Ambry Genetics
Classification: Uncertain significance for Inborn genetic diseases. Last evaluated: 2016-10-27. Review status: criteria provided, single submitter. Criteria: Ambry Variant Classification Scheme 2023. Collection method: clinical testing. Allele origin: germline.
Comment: The p.K190Q variant (also known as c.568A>C), located in coding exon 5 of the GRN gene, results from an A to C substitution at nucleotide position 568. The lysine at codon 190 is replaced by glutamine, an amino acid with similar properties. This variant was not reported in population based cohorts in the following databases: Database of Single Nucleotide Polymorphisms (dbSNP), NHLBI Exome Sequencing Project (ESP), and 1000 Genomes Project. In the ESP, this variant was not observed in 6503 samples (13006 alleles) with coverage at this position. This amino acid position is highly conserved through mammals but poorly conserved in other available vertebrate species. In addition, this alteration is predicted to be tolerated by in silico analysis. Since supporting evidence is limited at this time, the clinical significance of this alteration remains unclear.